The following is an entry in ClinVar:

ClinVar aggregate classification (germline): Pathogenic (1 of 4 stars; one submission).

Conditions:
Duchenne muscular dystrophy (DMD). Also called: MUSCULAR DYSTROPHY, PSEUDOHYPERTROPHIC PROGRESSIVE, DUCHENNE TYPE; Duchenne Muscular Dystrophy (DMD). Identifiers: Orphanet 98896, MedGen C0013264, MONDO:0010679, OMIM 310200.

Submission:

Labcorp Genetics (formerly Invitae), Labcorp
Classification: Pathogenic for Duchenne muscular dystrophy. Last evaluated: 2017-10-05. Review status: criteria provided, single submitter. Criteria: Invitae Variant Classification Sherloc (09022015). Collection method: clinical testing. Allele origin: germline.
Comment: This variant is an in-frame deletion of the genomic region encompassing exons 49-51 of the DMD gene. It preserves the integrity of the reading frame. This variant is not present in population databases (ExAC no frequency). This variant has been reported in two individuals affected with muscular dystrophy (PMID: 9470882, 9619643), as well as in several individuals with dilated cardiomyopathy (PMID: 9470882, 20031633, Invitae). For these reasons, this variant has been classified as Pathogenic.

Literature cited by the submitters: PubMed 9619643; PubMed 20031633; PubMed 9470882.

NC_000023.11:g.(?_31773960)_(31836819_?)del

Gene: DMD (dystrophin; minus strand). Cytogenetic location: Xp21.1.
Variant type: Deletion.
Identifiers: ClinVar variation 583546 (VCV000583546.1).